The following is an entry in ClinVar:

ClinVar aggregate classification (germline): Uncertain significance (1 of 4 stars; one submission).

gnomAD v4.1: 5 of 1,613,138 alleles (0.00031%); highest among the groups gnomAD compares: South Asian, 0.0055%; no homozygotes.

Submission:

GeneDx
Classification: Uncertain significance. Last evaluated: 2024-02-07. Review status: criteria provided, single submitter. Criteria: GeneDx Variant Classification Process June 2021. Collection method: clinical testing. Allele origin: germline. Affected: yes.
Comment: Not observed at significant frequency in large population cohorts (gnomAD); Missense variant in a gene in which most reported pathogenic variants are truncating/loss of function; Has not been previously published as pathogenic or benign to our knowledge

NM_001267550.2(TTN):c.61776C>A (p.Asn20592Lys)

Genes: TTN (titin; minus strand), TTN-AS1 (TTN antisense RNA 1; plus strand). Cytogenetic location: 2q31.2.
Variant type: single nucleotide variant.
Coding change: c.61776C>A on transcript NM_001267550.2 (MANE Select); coding-DNA position 61776, C replaced by A.
Protein change: p.Asn20592Lys; replaces asparagine 20592 with lysine.
Molecular consequence: missense variant.
Genome position (GRCh38, 1-based): chr2:178,589,949, G>T on the plus strand (C>A on the coding strand, the complement: TTN is on the minus strand). VCF-style: chr2-178589949-G-T. GRCh37 (hg19) VCF-style: chr2-179454676-G-T.
Other names: p.N18951K:AAC>AAA; c.56853C>A, p.Asn18951Lys (NM_001256850.1); c.34581C>A, p.Asn11527Lys (NM_003319.4); c.54072C>A, p.Asn18024Lys (NM_133378.4); c.34956C>A, p.Asn11652Lys (NM_133432.3); c.35157C>A, p.Asn11719Lys (NM_133437.4); c.61776C>A (NM_001267550.1); short protein forms N18951K, N20592K, N11527K, N11652K, N18024K, N11719K.
Identifiers: ClinVar variation 202758 (VCV000202758.3), dbSNP rs554308191, ClinGen allele CA310194.